The following is an entry in ClinVar:

ClinVar aggregate classification (germline): Uncertain significance (1 of 4 stars; one submission).

gnomAD v4.1: 33 of 1,607,180 alleles (0.0021%); highest among the groups gnomAD compares: Non-Finnish European, 0.0027%; no homozygotes.

Submission:

Mayo Clinic Laboratories, Mayo Clinic
Classification: Uncertain significance. Last evaluated: 2025-05-16. Review status: criteria provided, single submitter. Criteria: ACMG Guidelines, 2015. Collection method: clinical testing. Allele origin: germline. Observed: 1 variant allele.
Comment: PP3, PM2_supporting

NM_003049.4(SLC10A1):c.757A>T (p.Thr253Ser)

Gene: SLC10A1 (solute carrier family 10 member 1; minus strand). Cytogenetic location: 14q24.1.
Variant type: single nucleotide variant.
Coding change: c.757A>T on transcript NM_003049.4 (MANE Select); coding-DNA position 757, A replaced by T.
Protein change: p.Thr253Ser; replaces threonine 253 with serine.
Molecular consequence: missense variant.
Genome position (GRCh38, 1-based): chr14:69,778,519, T>A on the plus strand (A>T on the coding strand, the complement: SLC10A1 is on the minus strand). VCF-style: chr14-69778519-T-A. GRCh37 (hg19) VCF-style: chr14-70245236-T-A.
Other names: p.Thr253Ser; short protein forms T253S.
Identifiers: ClinVar variation 4541879 (VCV004541879.1).
Genomic context (GRCh38, chr14:69,778,519, plus strand): 5'-CCACATTGAGGATGGTGGAACAGAGTTGGACATTTTGGCATCCAGTCTCCATGCTGACAG[T>A]GCGTCTGCACCTGTGCCGGTGAAGAAAACCCCACATACACTCAGAGGGAACTGGAGGGAG-3'
Protein context (NP_003040.1, residues 243-263): LFCLNGRCRR[Thr253Ser]VSMETGCQNV